The following is an entry in ClinVar:

ClinVar aggregate classification (germline): Uncertain significance. Review status: criteria provided, multiple submitters, no conflicts (2 of 4 stars). 2 submissions from 2 submitters: Uncertain significance (2). Last evaluated 2024-01-24.

Conditions:
Inborn genetic diseases. Identifiers: MedGen C0950123, MeSH D030342.

Allele frequency attached by ClinVar (database versions not stated): gnomAD exomes 0.00002.
gnomAD v4.1: 22 of 1,614,106 alleles (0.0014%); highest among the groups gnomAD compares: Non-Finnish European, 0.0019%; no homozygotes.

Submissions (2):

Ambry Genetics
Classification: Uncertain significance for Inborn genetic diseases. Last evaluated: 2024-01-24. Review status: criteria provided, single submitter. Criteria: Ambry Variant Classification Scheme 2023. Collection method: clinical testing. Allele origin: germline.

Labcorp Genetics (formerly Invitae), Labcorp
Classification: Uncertain significance. Last evaluated: 2022-05-29. Review status: criteria provided, single submitter. Criteria: Invitae Variant Classification Sherloc (09022015). Collection method: clinical testing. Allele origin: germline.
Comment: This sequence change replaces glutamine, which is neutral and polar, with lysine, which is basic and polar, at codon 317 of the TBX19 protein (p.Gln317Lys). This variant is present in population databases (no rsID available, gnomAD 0.0009%). This variant has not been reported in the literature in individuals affected with TBX19-related conditions. Algorithms developed to predict the effect of missense changes on protein structure and function (SIFT, PolyPhen-2, Align-GVGD) all suggest that this variant is likely to be tolerated. In summary, the available evidence is currently insufficient to determine the role of this variant in disease. Therefore, it has been classified as a Variant of Uncertain Significance.

NM_005149.3(TBX19):c.949C>A (p.Gln317Lys)

Gene: TBX19 (T-box transcription factor 19; plus strand). Cytogenetic location: 1q24.2.
Variant type: single nucleotide variant.
Coding change: c.949C>A on transcript NM_005149.3 (MANE Select); coding-DNA position 949, C replaced by A.
Protein change: p.Gln317Lys; replaces glutamine 317 with lysine.
Molecular consequence: missense variant.
Genome position (GRCh38, 1-based): chr1:168,308,774, C>A. VCF-style: chr1-168308774-C-A. GRCh37 (hg19) VCF-style: chr1-168278012-C-A.
Other names: c.949C>A (NM_005149.2); short protein forms Q317K.
Identifiers: ClinVar variation 2068322 (VCV002068322.5), dbSNP rs1253987756, ClinGen allele CA343195728.